The following is an entry in ClinVar:

NM_015001.3(SPEN):c.7486dup (p.Thr2496fs)

Gene: SPEN (spen family transcriptional repressor; plus strand). Cytogenetic location: 1p36.13.
Variant type: Duplication.
Coding change: c.7486dup on transcript NM_015001.3 (MANE Select); coding-DNA position 7486, one base duplicated (A; older notation c.7486dupA).
Protein change: p.Thr2496fs; shifts the reading frame from threonine 2496.
Molecular consequence: frameshift variant.
Genome position (GRCh38, 1-based): chr1:15,933,726, A duplicated. VCF-style (leftmost placement, unchanged base first): chr1-15933725-T-TA. GRCh37 (hg19) VCF-style: chr1-16260220-T-TA.
Other names: short protein forms T2496fs.
Identifiers: ClinVar variation 4813056 (VCV004813056.1).

ClinVar aggregate classification (germline): Likely pathogenic (1 of 4 stars; one submission).

Conditions:
Radio-Tartaglia syndrome. Identifiers: Orphanet 662234, MedGen C5543339, MONDO:0859143, OMIM 619312.

Submission:

Variantyx, Inc.
Classification: Likely pathogenic for Radio-Tartaglia syndrome. Last evaluated: 2025-06-23. Review status: criteria provided, single submitter. Criteria: Variantyx Assertion Criteria 2022. Collection method: clinical testing. Allele origin: germline. Inheritance: Autosomal dominant inheritance. Affected: yes.
Comment: This is a frameshift variant in the SPEN gene (OMIM: 613484). Pathogenic variants in this gene have been associated with autosomal dominant Radio Tartaglia syndrome. This variant introduces a premature termination codon in exon 11 out of 15. It is expected to result in loss of function, which is a known disease mechanism for SPEN in this disorder (PMID: 33596411) (PVS1). This variant is absent from control populations (PM2). It has not been reported in individuals with SPEN-related disorders. Based on the current evidence, this variant is classified as likely athogenic for autosomal dominant Radio Tartaglia syndrome.

Literature cited by the submitters: PubMed 33596411.